The following is an entry in ClinVar:

NM_001035.3(RYR2):c.5841C>T (p.Val1947=)

Gene: RYR2 (ryanodine receptor 2; plus strand). Cytogenetic location: 1q43.
Variant type: single nucleotide variant.
Coding change: c.5841C>T on transcript NM_001035.3 (MANE Select); coding-DNA position 5841, C replaced by T.
Protein change: p.Val1947=; no amino-acid change (valine 1947 retained).
Molecular consequence: synonymous variant.
Genome position (GRCh38, 1-based): chr1:237,617,411, C>T. VCF-style: chr1-237617411-C-T. GRCh37 (hg19) VCF-style: chr1-237780711-C-T.
Other names: c.5841C>T (NM_001035.2).
Identifiers: ClinVar variation 925070 (VCV000925070.7), dbSNP rs1487785475, ClinGen allele CA423821250.

ClinVar aggregate classification (germline): Likely benign. Review status: criteria provided, multiple submitters, no conflicts (2 of 4 stars). 4 submissions from 4 submitters: Likely benign (4). Last evaluated 2024-06-11.

Conditions:
Catecholaminergic polymorphic ventricular tachycardia (CVPT). Also called: Catecholamine-induced polymorphic ventricular tachycardia. Identifiers: Orphanet 3286, MedGen C5574922, MONDO:0017990.
Cardiovascular phenotype. Identifiers: MedGen CN230736.
Cardiomyopathy (CMYO). Also called: Cardiomyopathies. Identifiers: Orphanet 167848, MedGen C0878544, MONDO:0004994, HP:0001638. Inheritance: Various modes of inheritance.
Catecholaminergic polymorphic ventricular tachycardia 1. Also called: VENTRICULAR TACHYCARDIA, CATECHOLAMINERGIC POLYMORPHIC, 1, WITH OR WITHOUT ATRIAL DYSFUNCTION AND/OR DILATED CARDIOMYOPATHY; RYR2-Related Catecholaminergic Polymorphic Ventricular Tachycardia; VENTRICULAR TACHYCARDIA, STRESS-INDUCED POLYMORPHIC 1. Identifiers: Orphanet 3286, MedGen C1631597, MONDO:0011484, OMIM 604772.

gnomAD v4.1: 1 of 1,613,986 alleles (0.000062%); highest among the groups gnomAD compares: Non-Finnish European, 0.000085%; no homozygotes.

Submissions (4):

Ambry Genetics
Classification: Likely benign for Cardiovascular phenotype. Last evaluated: 2024-06-11. Review status: criteria provided, single submitter. Criteria: Ambry Variant Classification Scheme 2023. Collection method: clinical testing. Allele origin: germline.

Labcorp Genetics (formerly Invitae), Labcorp
Classification: Likely benign for Catecholaminergic polymorphic ventricular tachycardia 1. Last evaluated: 2024-05-01. Review status: criteria provided, single submitter. Criteria: Invitae Variant Classification Sherloc (09022015). Collection method: clinical testing. Allele origin: germline.

All of Us Research Program, National Institutes of Health
Classification: Likely benign for Catecholaminergic polymorphic ventricular tachycardia. Last evaluated: 2022-12-16. Review status: criteria provided, single submitter. Criteria: ACMG Guidelines, 2015. Collection method: clinical testing. Allele origin: germline. Inheritance: Autosomal dominant inheritance. Observed: 1 variant allele, 1 heterozygote.
Comment: This study involves interpretation of variants in research participants for the purpose of population health screening. Participant phenotype was not available at the time of variant classification. Additional details can be found in publication PMID: 35346344, PMCID: PMC8962531

Color Diagnostics, LLC DBA Color Health
Classification: Likely benign for Cardiomyopathy. Last evaluated: 2019-07-09. Review status: criteria provided, single submitter. Criteria: ACMG Guidelines, 2015. Collection method: clinical testing. Allele origin: germline.